The following is an entry in ClinVar:

NM_001142864.4(PIEZO1):c.3179C>T (p.Pro1060Leu)

Genes: HSALR1 (HSP90AB1 associated lncRNA 1; plus strand), PIEZO1 (piezo type mechanosensitive ion channel component 1 (Er blood group); minus strand). Cytogenetic location: 16q24.3.
Variant type: single nucleotide variant.
Coding change: c.3179C>T on transcript NM_001142864.4 (MANE Select); coding-DNA position 3179, C replaced by T.
Protein change: p.Pro1060Leu; replaces proline 1060 with leucine.
Molecular consequence: missense variant.
Genome position (GRCh38, 1-based): chr16:88,731,723, G>A on the plus strand (C>T on the coding strand, the complement: PIEZO1 is on the minus strand). VCF-style: chr16-88731723-G-A. GRCh37 (hg19) VCF-style: chr16-88798131-G-A.
Other names: c.1721C>T, p.Pro574Leu (NM_014745.1); short protein forms P1060L, P574L.
Identifiers: ClinVar variation 2635496 (VCV002635496.1), dbSNP rs1904822736, ClinGen allele CA397107031.

ClinVar aggregate classification (germline): Uncertain significance (1 of 4 stars; one submission).

Conditions:
PIEZO1-related disorder. Also called: PIEZO1-Related Disorders; PIEZO1-related condition.

Allele frequency attached by ClinVar (database versions not stated): gnomAD exomes below 0.00001; TOPMed 0.00001.
gnomAD v4.1: 2 of 1,549,658 alleles (0.00013%); highest among the groups gnomAD compares: East Asian, 0.0025%; no homozygotes.

Submission:

PreventionGenetics, part of Exact Sciences
Classification: Uncertain significance for PIEZO1-related condition. Last evaluated: 2022-11-15. Review status: criteria provided, single submitter. Criteria: ACMG Guidelines, 2015. Collection method: clinical testing. Allele origin: germline.
Comment: The PIEZO1 c.3179C>T variant is predicted to result in the amino acid substitution p.Pro1060Leu. To our knowledge, this variant has not been reported in the literature or in a large population database, indicating this variant is rare. At this time, the clinical significance of this variant is uncertain due to the absence of conclusive functional and genetic evidence.